The following is an entry in ClinVar:

ClinVar aggregate classification (germline): Pathogenic/Likely pathogenic. Review status: criteria provided, multiple submitters, no conflicts (2 of 4 stars). 3 submissions from 3 submitters: Pathogenic (2); Likely pathogenic (1). Last evaluated 2025-02-19.

Conditions:
Hereditary cancer-predisposing syndrome. Also called: Hereditary Cancer Syndrome; Hereditary neoplastic syndrome; Neoplastic Syndromes, Hereditary; Tumor predisposition. Identifiers: Orphanet 140162, MedGen C0027672, MeSH D009386, MONDO:0015356.
Lynch syndrome 4 (LYNCH4). Also called: Hereditary non-polyposis colorectal cancer, type 4; Colorectal cancer, hereditary nonpolyposis, type 4. Identifiers: Orphanet 144, MedGen C1838333, MONDO:0013699, OMIM 614337. Disease mechanism: loss of function.

Submissions (3):

Myriad Genetics, Inc.
Classification: Pathogenic for Lynch syndrome 4. Last evaluated: 2025-02-19. Review status: criteria provided, single submitter. Criteria: Myriad Autosomal Dominant, Autosomal Recessive and X-Linked Classification Criteria (2023). Collection method: clinical testing. Allele origin: unknown.
Comment: This variant is considered pathogenic. This variant creates a termination codon and is predicted to result in premature protein truncation.

Baylor Genetics
Classification: Likely pathogenic for Lynch syndrome 4. Last evaluated: 2022-03-04. Review status: criteria provided, single submitter. Criteria: ACMG Guidelines, 2015. Collection method: clinical testing. Allele origin: unknown.

Ambry Genetics
Classification: Pathogenic for Hereditary cancer-predisposing syndrome. Last evaluated: 2020-04-10. Review status: criteria provided, single submitter. Criteria: Ambry Variant Classification Scheme 2023. Collection method: clinical testing. Allele origin: germline.
Comment: The p.E518* pathogenic mutation (also known as c.1552G>T), located in coding exon 11 of the PMS2 gene, results from a G to T substitution at nucleotide position 1552. This changes the amino acid from a glutamic acid to a stop codon within coding exon 11. This alteration is expected to result in loss of function by premature protein truncation or nonsense-mediated mRNA decay. As such, this alteration is interpreted as a disease-causing mutation.

NM_000535.7(PMS2):c.1552G>T (p.Glu518Ter)

Gene: PMS2 (PMS1 homolog 2, mismatch repair system component; minus strand). Cytogenetic location: 7p22.1.
Variant type: single nucleotide variant.
Coding change: c.1552G>T on transcript NM_000535.7 (MANE Select); coding-DNA position 1552, G replaced by T.
Protein change: p.Glu518Ter; replaces glutamic acid 518 with a stop codon.
Molecular consequence: nonsense. On other transcripts: non-coding transcript variant (1).
Genome position (GRCh38, 1-based): chr7:5,987,213, C>A on the plus strand (G>T on the coding strand, the complement: PMS2 is on the minus strand). VCF-style: chr7-5987213-C-A. GRCh37 (hg19) VCF-style: chr7-6026844-C-A.
Other names: c.1147G>T, p.Glu383Ter (NM_001018040.1, NM_001322003.2, NM_001322004.2 and 17 more transcripts); c.1396G>T, p.Glu466Ter (NM_001322006.2, NM_001406870.1); c.1234G>T, p.Glu412Ter (NM_001322007.2, NM_001322008.2, NM_001406876.1 and 2 more transcripts); c.991G>T, p.Glu331Ter (NM_001322010.2, NM_001406906.1, NM_001406907.1); c.619G>T, p.Glu207Ter (NM_001322011.2, NM_001322012.2); c.979G>T, p.Glu327Ter (NM_001322013.2, NM_001406909.1); c.1552G>T, p.Glu518Ter (NM_001322014.2, NM_001406871.1, NM_001406872.1); c.1243G>T, p.Glu415Ter (NM_001322015.2, NM_001406875.1, NM_001406877.1 and 5 more transcripts); and 12 more; short protein forms E360*, E396*, E406*, E452*, E261*, E327*, E331*, E415*.
Identifiers: ClinVar variation 1775087 (VCV001775087.4), dbSNP rs376142390, ClinGen allele CA366741604.